The following is an entry in ClinVar:

NM_014476.6(PDLIM3):c.246-9_246-5del

Gene: PDLIM3 (PDZ and LIM domain 3; minus strand). Cytogenetic location: 4q35.1.
Variant type: Microsatellite.
Coding change: c.246-9_246-5del on transcript NM_014476.6 (MANE Select); 9 bases into the intron before coding-DNA position 246 through 5 bases into the intron before coding-DNA position 246, 5 bases deleted (TATTT; older notation c.246-9_246-5delTATTT).
Molecular consequence: intron variant.
Genome position (GRCh38, 1-based): chr4:185,523,451-185,523,455, AAATA deleted on the plus strand (TATTT on the coding strand, the reverse complement: PDLIM3 is on the minus strand); deleting any 5 consecutive bases within chr4:185,523,451-185,523,464 gives the same sequence; the c. name uses the placement nearest the transcript's 3' end. VCF-style (leftmost placement, unchanged base first): chr4-185523450-GAAATA-G. GRCh37 (hg19) VCF-style: chr4-186444604-GAAATA-G.
Other names: c.94-9118_94-9114del (NM_001257963.2); c.246-9_246-5del (NM_001257962.2, NM_001114107.5); c.246-9_246-5delTATTT (NM_014476.6, NM_014476.5).
Identifiers: ClinVar variation 240914 (VCV000240914.19), dbSNP rs765292127, ClinGen allele CA3159865.

ClinVar aggregate classification (germline): Benign/Likely benign. Review status: criteria provided, multiple submitters, no conflicts (2 of 4 stars). 5 submissions from 5 submitters: Benign (2); Likely benign (1). 2 of the submissions do not count toward it. Last evaluated 2026-01-16.

Conditions:
Primary dilated cardiomyopathy (DCM). Also called: Dilated Cardiomyopathy. Identifiers: Orphanet 217604, MedGen C0007193, MeSH D002311, MONDO:0005021, HP:0001644. Inheritance: Various modes of inheritance.
Hypertrophic cardiomyopathy. Also called: HYPERTROPHIC MYOCARDIOPATHY. Identifiers: Orphanet 217569, MedGen C0007194, MeSH D002312, MONDO:0005045, HP:0001639.

Submissions (5):

Women's Health and Genetics/Laboratory Corporation of America, LabCorp
Classification: Benign. Last evaluated: 2026-01-16. Review status: criteria provided, single submitter. Criteria: LabCorp Variant Classification Summary - May 2015. Collection method: clinical testing. Allele origin: germline.
Comment: Variant summary: PDLIM3 c.246-9_246-5delTATTT alters a conserved nucleotide located at a position not widely known to affect splicing. Consensus agreement among computation tools predict no significant impact on normal splicing. However, these predictions have yet to be confirmed by functional studies. The variant allele was found at a frequency of 0.00013 in 247860 control chromosomes. The observed variant frequency exceeds the estimated maximal expected allele frequency for disease-causing variants in PDLIM3. To our knowledge, no occurrence of c.246-9_246-5delTATTT in individuals affected with PDLIM3-related conditions and no experimental evidence demonstrating its impact on protein function have been reported. ClinVar contains an entry for this variant (Variation ID: 240914). Based on the evidence outlined above, the variant was classified as benign.

Labcorp Genetics (formerly Invitae), Labcorp
Classification: Benign for Hypertrophic cardiomyopathy; Primary dilated cardiomyopathy. Last evaluated: 2025-11-27. Review status: criteria provided, single submitter. Criteria: Invitae Variant Classification Sherloc (09022015). Collection method: clinical testing. Allele origin: germline.

GeneDx
Classification: Likely benign. Last evaluated: 2021-05-05. Review status: criteria provided, single submitter. Criteria: GeneDx Variant Classification Process June 2021. Collection method: clinical testing. Allele origin: germline. Affected: yes.

Genome Diagnostics Laboratory, University Medical Center Utrecht
Classification: Likely benign. Review status: no assertion criteria provided. Collection method: clinical testing. Allele origin: germline. Affected: yes. Study: VKGL Data-share Consensus. Not counted in ClinVar's aggregate classification.

Joint Genome Diagnostic Labs from Nijmegen and Maastricht, Radboudumc and MUMC+
Classification: Likely benign. Review status: no assertion criteria provided. Collection method: clinical testing. Allele origin: germline. Affected: yes. Study: VKGL Data-share Consensus. Not counted in ClinVar's aggregate classification.